The following is an entry in ClinVar:

ClinVar aggregate classification (germline): Uncertain significance (1 of 4 stars; one submission).

Submission:

Ambry Genetics
Classification: Uncertain significance. Last evaluated: 2025-02-25. Review status: criteria provided, single submitter. Criteria: Ambry Variant Classification Scheme 2023. Collection method: clinical testing. Allele origin: germline.
Comment: The p.L869R variant (also known as c.2606T>G), located in coding exon 11 of the WNK2 gene, results from a T to G substitution at nucleotide position 2606. The leucine at codon 869 is replaced by arginine, an amino acid with dissimilar properties. This amino acid position is conserved. In addition, the in silico prediction for this alteration is inconclusive. Based on the available evidence, the clinical significance of this variant remains unclear.

NM_006648.4(WNK2):c.2606T>G (p.Leu869Arg)

Gene: WNK2 (WNK lysine deficient protein kinase 2; plus strand). Cytogenetic location: 9q22.31.
Variant type: single nucleotide variant.
Coding change: c.2606T>G on transcript NM_006648.4 (MANE Select); coding-DNA position 2606, T replaced by G.
Protein change: p.Leu869Arg; replaces leucine 869 with arginine.
Molecular consequence: missense variant.
Genome position (GRCh38, 1-based): chr9:93,259,154, T>G. VCF-style: chr9-93259154-T-G. GRCh37 (hg19) VCF-style: chr9-96021436-T-G.
Other names: c.2606T>G, p.Leu869Arg (NM_001282394.3); short protein forms L869R.
Identifiers: ClinVar variation 3817154 (VCV003817154.1).